The following is an entry in ClinVar:

ClinVar aggregate classification (germline): Conflicting classifications of pathogenicity. Review status: criteria provided, conflicting classifications (1 of 4 stars). 3 submissions from 3 submitters: Uncertain significance (2); Likely benign (1). Last evaluated 2025-12-25.

Conditions:
Inborn genetic diseases. Identifiers: MedGen C0950123, MeSH D030342.

Allele frequency attached by ClinVar (database versions not stated): gnomAD exomes 0.00002 and 0.00004; TOPMed 0.00002; gnomAD 0.00004 and 0.00005; ExAC 0.00005.
gnomAD v4.1: 33 of 1,613,934 alleles (0.002%); highest among the groups gnomAD compares: Admixed American, 0.005%; no homozygotes.

Submissions (3):

Labcorp Genetics (formerly Invitae), Labcorp
Classification: Likely benign. Last evaluated: 2025-12-25. Review status: criteria provided, single submitter. Criteria: Invitae Variant Classification Sherloc (09022015). Collection method: clinical testing. Allele origin: germline.

Ambry Genetics
Classification: Uncertain significance for Inborn genetic diseases. Last evaluated: 2025-09-28. Review status: criteria provided, single submitter. Criteria: Ambry Variant Classification Scheme 2023. Collection method: clinical testing. Allele origin: germline.

GeneDx
Classification: Uncertain significance. Last evaluated: 2021-05-25. Review status: criteria provided, single submitter. Criteria: GeneDx Variant Classification Process June 2021. Collection method: clinical testing. Allele origin: germline. Affected: yes.
Comment: In silico analysis supports that this missense variant has a deleterious effect on protein structure/function; Has not been previously published as pathogenic or benign to our knowledge

NM_004793.4(LONP1):c.613C>T (p.Arg205Cys)

Gene: LONP1 (lon peptidase 1, mitochondrial; minus strand). Cytogenetic location: 19p13.3.
Variant type: single nucleotide variant.
Coding change: c.613C>T on transcript NM_004793.4 (MANE Select); coding-DNA position 613, C replaced by T.
Protein change: p.Arg205Cys; replaces arginine 205 with cysteine.
Molecular consequence: missense variant. On other transcripts: non-coding transcript variant (1).
Genome position (GRCh38, 1-based): chr19:5,713,159, G>A on the plus strand (C>T on the coding strand, the complement: LONP1 is on the minus strand). VCF-style: chr19-5713159-G-A. GRCh37 (hg19) VCF-style: chr19-5713170-G-A.
Other names: c.613C>T (NM_004793.2); c.421C>T, p.Arg141Cys (NM_001276479.2); c.25C>T, p.Arg9Cys (NM_001276480.1); short protein forms R141C, R205C, R9C.
Identifiers: ClinVar variation 1326720 (VCV001326720.10), dbSNP rs758142635, ClinGen allele CA9115062.